The following is an entry in ClinVar:

ClinVar aggregate classification (germline): Pathogenic (1 of 4 stars; one submission).

Submission:

Labcorp Genetics (formerly Invitae), Labcorp
Classification: Pathogenic. Last evaluated: 2025-11-16. Review status: criteria provided, single submitter. Criteria: Invitae Variant Classification Sherloc (09022015). Collection method: clinical testing. Allele origin: germline.
Comment: This sequence change creates a premature translational stop signal (p.Glu112Valfs*3) in the DNAJB13 gene. It is expected to result in an absent or disrupted protein product. Loss-of-function variants in DNAJB13 are known to be pathogenic (PMID: 27486783, 31650533). This variant is not present in population databases (gnomAD no frequency). This premature translational stop signal has been observed in individual(s) with DNAJB13-related conditions (PMID: 35166991). Algorithms developed to predict the effect of sequence changes on RNA splicing suggest that this variant may disrupt the consensus splice site. For these reasons, this variant has been classified as Pathogenic.

Literature cited by the submitters: PubMed 27486783; PubMed 31650533; PubMed 35166991.

NC_000011.10:g.73964876AG[1]

Gene: DNAJB13 (DnaJ heat shock protein family (Hsp40) member B13; plus strand). Cytogenetic location: 11q13.4.
Variant type: Microsatellite.
Genome position: GRCh38 VCF-style: chr11-73964875-CAG-C. GRCh37 (hg19) VCF-style: chr11-73675920-CAG-C.
Identifiers: ClinVar variation 3681557 (VCV003681557.2).
Genomic context (GRCh38, chr11:73,964,875, plus strand): 5'-GCGCGCGCGCATGTCTGGGTCTCTGGATACAATTTCTCTTACTCCTCTCCCTACCTCCTG[CAG>C]AGTTTTTTGATGCAGAAGGAAGTGAGGTAGATTTGAACTTTGGGGGGCTCCAGGGCCGAG-3'